The following is an entry in ClinVar:

ClinVar aggregate classification (germline): Likely benign. Review status: criteria provided, multiple submitters, no conflicts (2 of 4 stars). 3 submissions from 3 submitters: Likely benign (3). Last evaluated 2026-05-19.

Conditions:
CACNA1C-related disorder. Also called: CACNA1C-related condition; CACNA1C-related disorders. Identifiers: MedGen CN381092, MONDO:0700321.
Long QT syndrome (LQTS). Identifiers: MedGen C0023976, MeSH D008133, MONDO:0002442. Disease mechanism: loss of function. Inheritance: Various modes of inheritance.
Cardiovascular phenotype. Identifiers: MedGen CN230736.

Allele frequency attached by ClinVar (database versions not stated): gnomAD 0.00001; TOPMed 0.00002.
gnomAD v4.1: 3 of 1,613,914 alleles (0.00019%); highest among the groups gnomAD compares: African/African-American, 0.0027%; no homozygotes.

Submissions (3):

PreventionGenetics, part of Exact Sciences
Classification: Likely benign for CACNA1C-related condition. Last evaluated: 2026-05-19. Review status: criteria provided, single submitter. Criteria: ACMG Guidelines, 2015. Collection method: clinical testing. Allele origin: germline.
Comment: This variant is classified as likely benign based on ACMG/AMP sequence variant interpretation guidelines (Richards et al. 2015 PMID: 25741868, with internal and published modifications).

Labcorp Genetics (formerly Invitae), Labcorp
Classification: Likely benign for Long QT syndrome. Last evaluated: 2025-12-21. Review status: criteria provided, single submitter. Criteria: Invitae Variant Classification Sherloc (09022015). Collection method: clinical testing. Allele origin: germline.

Ambry Genetics
Classification: Likely benign for Cardiovascular phenotype. Last evaluated: 2018-05-14. Review status: criteria provided, single submitter. Criteria: Ambry Variant Classification Scheme 2023. Collection method: clinical testing. Allele origin: germline.

NM_000719.7(CACNA1C):c.5914C>T (p.Leu1972=)

Genes: CACNA1C (calcium voltage-gated channel subunit alpha1 C; plus strand), CACNA1C-AS1 (CACNA1C antisense RNA 1; minus strand). Cytogenetic location: 12p13.33.
Variant type: single nucleotide variant.
Coding change: c.5914C>T on transcript NM_000719.7 (MANE Select); coding-DNA position 5914, C replaced by T.
Protein change: p.Leu1972=; no amino-acid change (leucine 1972 retained).
Molecular consequence: synonymous variant.
Genome position (GRCh38, 1-based): chr12:2,688,576, C>T. VCF-style: chr12-2688576-C-T. GRCh37 (hg19) VCF-style: chr12-2797742-C-T.
Other names: c.6058C>T, p.Leu2020= (NM_001129827.2); c.6037C>T, p.Leu2013= (NM_001129829.2); c.6019C>T, p.Leu2007= (NM_001129830.3, NM_001167624.3); c.5998C>T, p.Leu2000= (NM_001129831.2); c.5974C>T, p.Leu1992= (NM_001129832.2); c.5971C>T, p.Leu1991= (NM_001129833.2, NM_001129834.2, NM_001129835.2); c.5965C>T, p.Leu1989= (NM_001129836.2); c.5938C>T, p.Leu1980= (NM_001129837.2, NM_001129838.2); and 6 more.
Identifiers: ClinVar variation 1750464 (VCV001750464.8), dbSNP rs771477908, ClinGen allele CA478088097.